The following is an entry in ClinVar:

NM_001242896.3(DEPDC5):c.2355-2A>G

Gene: DEPDC5 (DEP domain containing 5, GATOR1 subcomplex subunit; plus strand). Cytogenetic location: 22q12.3.
Variant type: single nucleotide variant.
Coding change: c.2355-2A>G on transcript NM_001242896.3 (MANE Select); the canonical splice acceptor site of the intron before coding-DNA position 2355, A replaced by G.
Molecular consequence: splice acceptor variant.
Genome position (GRCh38, 1-based): chr22:31,838,683, A>G. VCF-style: chr22-31838683-A-G. GRCh37 (hg19) VCF-style: chr22-32234669-A-G.
Other names: c.2355-2A>G (NM_001364318.2, NM_001363852.2, NM_001364320.2); c.2328-2A>G (NM_001136029.4, NM_014662.6, NM_001369903.1); c.2121-2A>G (NM_001363854.2, NM_001242897.2, NM_001364319.2); c.2271-2A>G (NM_001369902.1, NM_001369901.1).
Identifiers: ClinVar variation 183029 (VCV000183029.7), dbSNP rs797044545, ClinGen allele CA347131.
Genomic context (GRCh38, chr22:31,838,683, plus strand): 5'-CACTCTTAAGTGTCACTGTCTCGGGCCAAGCATCTGTATGAGCAATCATCTGTTGTTTTC[A>G]GGAGGGACGAAGATGGTGTGCAGATGACAGCCCAGCAGGTATTTGAAGAGTTTATTTGCC-3'

ClinVar aggregate classification (germline): Pathogenic. Review status: criteria provided, single submitter (1 of 4 stars). 2 submissions from 2 submitters: Pathogenic (1). 1 of the submissions does not count toward it.

Conditions:
Epilepsy, familial focal, with variable foci 1 (FFEVF1). Also called: DEPDC5-Related Epilepsy. Identifiers: MedGen C4551983, MONDO:0024556, OMIM 604364.

Submissions (2):

Laboratory of Functional Genomics, Research Centre for Medical Genetics
Classification: Pathogenic for Epilepsy, familial focal, with variable foci 1. Review status: criteria provided, single submitter. Criteria: ACMG Guidelines, 2015. Collection method: clinical testing. Allele origin: inherited, unknown. Inheritance: Autosomal dominant inheritance. Affected: yes and no. Observed: 4 heterozygotes. Clinical features observed: Seizure (HP:0001250), Focal hyperkinetic seizure (HP:0011174), Intellectual disability (HP:0001249), Isolated focal cortical dysplasia type II (HP:0032051), Multifocal epileptiform discharges (HP:0010841).
Comment: The variant c.2355-2A>G in the DEPDC5 gene could be classified as a pathogenic variant according to ACMG criteria (PM2, PVS1, PS3). It is absent from large population studies and databases. We analyzed the variant using RT-PCR on cDNA obtained from patient's PBMCs. It leads to exon 27 skipping and the formation of a premature stop codon at the mRNA level.

GeneReviews
No classification provided. Condition: Epilepsy, familial focal, with variable foci 1. Review status: no classification provided. Collection method: literature only. Allele origin: germline. Not counted in ClinVar's aggregate classification.

Literature cited by the submitters: NCBI Bookshelf NBK1169 (cited by GeneReviews); PubMed 24814846 (cited by GeneReviews).